The following is an entry in ClinVar:

NM_001854.4(COL11A1):c.2333G>C (p.Gly778Ala)

Gene: COL11A1 (collagen type XI alpha 1 chain; minus strand). Cytogenetic location: 1p21.1.
Variant type: single nucleotide variant.
Coding change: c.2333G>C on transcript NM_001854.4 (MANE Select); coding-DNA position 2333, G replaced by C.
Protein change: p.Gly778Ala; replaces glycine 778 with alanine.
Molecular consequence: missense variant. On other transcripts: non-coding transcript variant (1).
Genome position (GRCh38, 1-based): chr1:102,995,871, C>G on the plus strand (G>C on the coding strand, the complement: COL11A1 is on the minus strand). VCF-style: chr1-102995871-C-G. GRCh37 (hg19) VCF-style: chr1-103461427-C-G.
Other names: c.2216G>C, p.Gly739Ala (NM_001190709.2); c.2369G>C, p.Gly790Ala (NM_080629.3); c.1985G>C, p.Gly662Ala (NM_080630.4); short protein forms G790A, G662A, G739A, G778A.
Identifiers: ClinVar variation 4740443 (VCV004740443.1).

ClinVar aggregate classification (germline): Uncertain significance (1 of 4 stars; one submission).

Submission:

Labcorp Genetics (formerly Invitae), Labcorp
Classification: Uncertain significance. Last evaluated: 2025-08-10. Review status: criteria provided, single submitter. Criteria: Invitae Variant Classification Sherloc (09022015). Collection method: clinical testing. Allele origin: germline.
Comment: This sequence change replaces glycine, which is neutral and non-polar, with alanine, which is neutral and non-polar, at codon 778 of the COL11A1 protein (p.Gly778Ala). This variant is not present in population databases (gnomAD no frequency). This variant has not been reported in the literature in individuals affected with COL11A1-related conditions. Invitae Evidence Modeling of protein sequence and biophysical properties (such as structural, functional, and spatial information, amino acid conservation, physicochemical variation, residue mobility, and thermodynamic stability) indicates that this missense variant is expected to disrupt COL11A1 protein function with a positive predictive value of 80%. In summary, the available evidence is currently insufficient to determine the role of this variant in disease. Therefore, it has been classified as a Variant of Uncertain Significance.